The following is an entry in ClinVar:

ClinVar aggregate classification (germline): Benign/Likely benign. Review status: criteria provided, multiple submitters, no conflicts (2 of 4 stars). 8 submissions from 8 submitters: Benign (6); Likely benign (2). Last evaluated 2026-02-04.

Conditions:
Primary ciliary dyskinesia 17. Also called: CILIARY DYSKINESIA, PRIMARY, 17, WITH OR WITHOUT SITUS INVERSUS. Identifiers: Orphanet 244, MedGen C3542550, MONDO:0013854, OMIM 614679.
Primary ciliary dyskinesia. Also called: Ciliary dyskinesia. Identifiers: Orphanet 244, MedGen C0008780, MONDO:0016575, HP:0012265.

Allele frequency attached by ClinVar (database versions not stated): 1000 Genomes Project 30x 0.09369; 1000 Genomes Project 0.09465; TOPMed 0.11734; gnomAD 0.12523 and 0.12539; gnomAD exomes 0.13373 and 0.15518; ExAC 0.13475; ESP Exome Variant Server 0.13578.
gnomAD v4.1: 245,314 of 1,613,454 alleles (15%); highest among the groups gnomAD compares: Middle Eastern, 20%; 19,755 homozygotes.

Submissions (13):

Labcorp Genetics (formerly Invitae), Labcorp
Classification: Benign for Primary ciliary dyskinesia. Last evaluated: 2026-02-04. Review status: criteria provided, single submitter. Criteria: Invitae Variant Classification Sherloc (09022015). Collection method: clinical testing. Allele origin: germline.

Blueprint Genetics
Classification: Likely benign. Last evaluated: 2024-11-28. Review status: criteria provided, single submitter. Criteria: ACMG Guidelines, 2015. Collection method: clinical testing. Allele origin: germline.

Mayo Clinic Laboratories, Mayo Clinic
Classification: Benign. Last evaluated: 2022-04-26. Review status: criteria provided, single submitter. Criteria: ACMG Guidelines, 2015. Collection method: clinical testing. Allele origin: germline. Observed: 45 variant alleles.

GeneDx
Classification: Benign. Last evaluated: 2018-07-05. Review status: criteria provided, single submitter. Criteria: GeneDx Variant Classification Process June 2021. Collection method: clinical testing. Allele origin: germline. Affected: yes.

Illumina Laboratory Services, Illumina
Classification: Benign for Primary ciliary dyskinesia 17. Last evaluated: 2018-01-12. Review status: criteria provided, single submitter. Criteria: ICSL Variant Classification Criteria 13 December 2019. Collection method: clinical testing. Allele origin: germline.
Comment: This variant was observed in the ICSL laboratory as part of a predisposition screen in an ostensibly healthy population. It had not been previously curated by ICSL or reported in the Human Gene Mutation Database (HGMD: prior to June 1st, 2018), and was therefore a candidate for classification through an automated scoring system. Utilizing variant allele frequency, disease prevalence and penetrance estimates, and inheritance mode, an automated score was calculated to assess if this variant is too frequent to cause the disease. Based on the score and internal cut-off values, a variant classified as benign is not then subjected to further curation. The score for this variant resulted in a classification of benign for this disease.

Laboratory for Molecular Medicine, Mass General Brigham Personalized Medicine
Classification: Benign. Last evaluated: 2016-03-29. Review status: criteria provided, single submitter. Criteria: LMM Criteria. Collection method: clinical testing. Allele origin: germline.
Comment: Variant identified in a genome or exome case(s) and assessed due to predicted null impact of the variant or pathogenic assertions in the literature or databases. Disclaimer: This variant has not undergone full assessment. The following are preliminary notes: Frequency

Breakthrough Genomics
Classification: Likely benign. Review status: criteria provided, single submitter. Criteria: ACMG Guidelines, 2015. Collection method: not provided. Allele origin: germline. Inheritance: Autosomal recessive inheritance. Affected: yes.

PreventionGenetics, part of Exact Sciences
Classification: Benign. Review status: criteria provided, single submitter. Criteria: ACMG Guidelines, 2015. Collection method: clinical testing. Allele origin: germline.

Dr. Peter K. Rogan Lab, Western University
No classification provided (evidence only). Condition: Familial cancer of breast. Review status: no classification provided. Collection method: in vitro. Allele origin: not applicable. Functional consequence: retained intron. Not counted in ClinVar's aggregate classification.

Dr. Peter K. Rogan Lab, Western University
No classification provided (evidence only). Condition: Uterine carcinosarcoma. Review status: no classification provided. Collection method: in vitro. Allele origin: not applicable. Functional consequence: retained intron. Not counted in ClinVar's aggregate classification.

Dr. Peter K. Rogan Lab, Western University
No classification provided (evidence only). Condition: Uterine carcinosarcoma. Review status: no classification provided. Collection method: in vitro. Allele origin: not applicable. Functional consequence: retained intron. Not counted in ClinVar's aggregate classification.

Dr. Peter K. Rogan Lab, Western University
No classification provided (evidence only). Condition: Uterine carcinosarcoma. Review status: no classification provided. Collection method: in vitro. Allele origin: not applicable. Functional consequence: retained intron. Not counted in ClinVar's aggregate classification.

Dr. Peter K. Rogan Lab, Western University
No classification provided (evidence only). Condition: Uveal melanoma. Review status: no classification provided. Collection method: in vitro. Allele origin: not applicable. Functional consequence: retained intron. Not counted in ClinVar's aggregate classification.

NM_213607.3(DNAAF19):c.276+6T>C

Gene: DNAAF19 (dynein axonemal assembly factor 19; plus strand). Cytogenetic location: 17q21.31.
Variant type: single nucleotide variant.
Coding change: c.276+6T>C on transcript NM_213607.3 (MANE Select); 6 bases into the intron after coding-DNA position 276, T replaced by C.
Molecular consequence: intron variant. On other transcripts: splice donor variant (2).
Genome position (GRCh38, 1-based): chr17:44,901,658, T>C. VCF-style: chr17-44901658-T-C. GRCh37 (hg19) VCF-style: chr17-42979026-T-C.
Other names: p.?; c.280+2T>C (NM_001258399.2, NM_001258398.3); c.276+6T>C (NM_001258397.3, NM_001258396.2, NM_001258395.2).
Identifiers: ClinVar variation 263318 (VCV000263318.24), dbSNP rs74349463, ClinGen allele CA8608316.